The following is an entry in ClinVar:

ClinVar aggregate classification (germline): Uncertain significance (1 of 4 stars; one submission).

gnomAD v4.1: 1 of 1,612,738 alleles (0.000062%); highest among the groups gnomAD compares: Non-Finnish European, 0.000085%; no homozygotes.

Submission:

Labcorp Genetics (formerly Invitae), Labcorp
Classification: Uncertain significance. Last evaluated: 2022-12-31. Review status: criteria provided, single submitter. Criteria: Invitae Variant Classification Sherloc (09022015). Collection method: clinical testing. Allele origin: germline.
Comment: In summary, the available evidence is currently insufficient to determine the role of this variant in disease. Therefore, it has been classified as a Variant of Uncertain Significance. Advanced modeling of protein sequence and biophysical properties (such as structural, functional, and spatial information, amino acid conservation, physicochemical variation, residue mobility, and thermodynamic stability) performed at Invitae indicates that this missense variant is not expected to disrupt ITPR1 protein function. ClinVar contains an entry for this variant (Variation ID: 1719663). This variant has not been reported in the literature in individuals affected with ITPR1-related conditions. This variant is not present in population databases (gnomAD no frequency). This sequence change replaces isoleucine, which is neutral and non-polar, with threonine, which is neutral and polar, at codon 892 of the ITPR1 protein (p.Ile892Thr).

NM_001378452.1(ITPR1):c.2720T>C (p.Ile907Thr)

Gene: ITPR1 (inositol 1,4,5-trisphosphate receptor type 1; plus strand). Cytogenetic location: 3p26.1.
Variant type: single nucleotide variant.
Coding change: c.2720T>C on transcript NM_001378452.1 (MANE Select); coding-DNA position 2720, T replaced by C.
Protein change: p.Ile907Thr; replaces isoleucine 907 with threonine.
Molecular consequence: missense variant.
Genome position (GRCh38, 1-based): chr3:4,675,189, T>C. VCF-style: chr3-4675189-T-C. GRCh37 (hg19) VCF-style: chr3-4716873-T-C.
Other names: c.2720T>C, p.Ile907Thr (NM_001099952.4); c.2675T>C, p.Ile892Thr (NM_001168272.2, NM_002222.7); short protein forms I892T, I907T.
Identifiers: ClinVar variation 1719663 (VCV001719663.5), dbSNP rs2470765201, ClinGen allele CA351648620.